The following is an entry in ClinVar:

ClinVar aggregate classification (germline): Uncertain significance (1 of 4 stars; one submission).

Allele frequency attached by ClinVar (database versions not stated): gnomAD exomes below 0.00001; ExAC 0.00001.
gnomAD v4.1: 1 of 1,613,988 alleles (0.000062%); highest among the groups gnomAD compares: Admixed American, 0.0017%; no homozygotes.

Submission:

GeneDx
Classification: Uncertain significance. Last evaluated: 2022-04-20. Review status: criteria provided, single submitter. Criteria: GeneDx Variant Classification Process June 2021. Collection method: clinical testing. Allele origin: germline. Affected: yes.
Comment: Not observed at significant frequency in large population cohorts (gnomAD); In silico analysis supports that this missense variant has a deleterious effect on protein structure/function; Has not been previously published as pathogenic or benign to our knowledge

NM_000540.3(RYR1):c.2593C>T (p.His865Tyr)

Gene: RYR1 (ryanodine receptor 1; plus strand). Cytogenetic location: 19q13.2.
Variant type: single nucleotide variant.
Coding change: c.2593C>T on transcript NM_000540.3 (MANE Select); coding-DNA position 2593, C replaced by T.
Protein change: p.His865Tyr; replaces histidine 865 with tyrosine.
Molecular consequence: missense variant.
Genome position (GRCh38, 1-based): chr19:38,463,438, C>T. VCF-style: chr19-38463438-C-T. GRCh37 (hg19) VCF-style: chr19-38954078-C-T.
Other names: c.2593C>T, p.His865Tyr (NM_001042723.2); short protein forms H865Y.
Identifiers: ClinVar variation 1712601 (VCV001712601.2), dbSNP rs759159898, ClinGen allele CA063573.